The following is an entry in ClinVar:

ClinVar aggregate classification (germline): Uncertain significance (1 of 4 stars; one submission).

Submission:

Labcorp Genetics (formerly Invitae), Labcorp
Classification: Uncertain significance. Last evaluated: 2024-05-01. Review status: criteria provided, single submitter. Criteria: Invitae Variant Classification Sherloc (09022015). Collection method: clinical testing. Allele origin: germline.
Comment: This sequence change replaces serine, which is neutral and polar, with arginine, which is basic and polar, at codon 2889 of the HMCN1 protein (p.Ser2889Arg). This variant is present in population databases (rs775806856, gnomAD 0.006%). This variant has not been reported in the literature in individuals affected with HMCN1-related conditions. An algorithm developed to predict the effect of missense changes on protein structure and function (PolyPhen-2) suggests that this variant is likely to be disruptive. In summary, the available evidence is currently insufficient to determine the role of this variant in disease. Therefore, it has been classified as a Variant of Uncertain Significance.

NM_031935.3(HMCN1):c.8667T>G (p.Ser2889Arg)

Gene: HMCN1 (hemicentin 1; plus strand). Cytogenetic location: 1q31.1.
Variant type: single nucleotide variant.
Coding change: c.8667T>G on transcript NM_031935.3 (MANE Select); coding-DNA position 8667, T replaced by G.
Protein change: p.Ser2889Arg; replaces serine 2889 with arginine.
Molecular consequence: missense variant.
Genome position (GRCh38, 1-based): chr1:186,081,274, T>G. VCF-style: chr1-186081274-T-G. GRCh37 (hg19) VCF-style: chr1-186050406-T-G.
Other names: short protein forms S2889R.
Identifiers: ClinVar variation 3684295 (VCV003684295.2).
Genomic context (GRCh38, chr1:186,081,274, plus strand): 5'-AATTATCAAGGGAGCAAATAGTGATCTCCCTGAAGAGGTCACCGTGCTGGTGAACAAGAG[T>G]GCACTGATAGAGTGTTTATCCAGTGGCAGCCCAGCACCAAGGAATTCCTGGCAGAAAGAT-3'
Protein context (NP_114141.2, residues 2879-2899): PEEVTVLVNK[Ser2889Arg]ALIECLSSGS